The following is an entry in ClinVar:

ClinVar aggregate classification (germline): Benign (0 of 4 stars; one submission).

Conditions:
GOT1-related disorder. Also called: GOT1-related condition.

Allele frequency attached by ClinVar (database versions not stated): ESP Exome Variant Server 0.09942; gnomAD 0.10689; TOPMed 0.11612; 1000 Genomes Project 30x 0.11727; 1000 Genomes Project 0.11741; ExAC 0.13132; gnomAD exomes 0.12138.
gnomAD v4.1: 193,533 of 1,613,078 alleles (12%); highest among the groups gnomAD compares: Admixed American, 26%; 12,952 homozygotes.

Submission:

PreventionGenetics, part of Exact Sciences
Classification: Benign for GOT1-related condition. Last evaluated: 2019-10-23. Review status: no assertion criteria provided. Collection method: clinical testing. Allele origin: germline.
Comment: This variant is classified as benign based on ACMG/AMP sequence variant interpretation guidelines (Richards et al. 2015 PMID: 25741868, with internal and published modifications).

NM_002079.3(GOT1):c.363G>A (p.Ala121=)

Gene: GOT1 (glutamic-oxaloacetic transaminase 1; minus strand). Cytogenetic location: 10q24.2.
Variant type: single nucleotide variant.
Coding change: c.363G>A on transcript NM_002079.3 (MANE Select); coding-DNA position 363, G replaced by A.
Protein change: p.Ala121=; no amino-acid change (alanine 121 retained).
Molecular consequence: synonymous variant.
Genome position (GRCh38, 1-based): chr10:99,406,787, C>T on the plus strand (G>A on the coding strand, the complement: GOT1 is on the minus strand). VCF-style: chr10-99406787-C-T. GRCh37 (hg19) VCF-style: chr10-101166544-C-T.
Identifiers: ClinVar variation 3060094 (VCV003060094.2), dbSNP rs2234971, ClinGen allele CA5640976.